The following is an entry in ClinVar:

NM_001009944.3(PKD1):c.2911del (p.Asp971fs)

Gene: PKD1 (polycystin 1, transient receptor potential channel interacting; minus strand). Cytogenetic location: 16p13.3.
Variant type: Deletion.
Coding change: c.2911del on transcript NM_001009944.3 (MANE Select); coding-DNA position 2911, one base deleted (G; older notation c.2911delG).
Protein change: p.Asp971fs; shifts the reading frame from aspartic acid 971.
Molecular consequence: frameshift variant.
Genome position (GRCh38, 1-based): chr16:2,113,235, C deleted on the plus strand (G on the coding strand, the reverse complement: PKD1 is on the minus strand). VCF-style (leftmost placement, unchanged base first): chr16-2113234-TC-T. GRCh37 (hg19) VCF-style: chr16-2163235-TC-T.
Other names: c.2911del, p.Asp971fs (NM_000296.4); short protein forms D971fs.
Identifiers: ClinVar variation 4531298 (VCV004531298.1).

ClinVar aggregate classification (germline): Pathogenic (1 of 4 stars; one submission).

Conditions:
Polycystic kidney disease, adult type (PKD1). Also called: Polycystic Kidney, Autosomal Dominant; POLYCYSTIC KIDNEY DISEASE, ADULT, TYPE I; Polycystic Kidney Disease 1, Autosomal Dominant; Polycystic kidney disease 1; Polycystic kidney disease 1, severe; POLYCYSTIC KIDNEY DISEASE 1 WITH OR WITHOUT POLYCYSTIC LIVER DISEASE. Identifiers: MedGen C3149841, MONDO:0008263, OMIM 173900.

Submission:

Juno Genomics, Hangzhou Juno Genomics, Inc
Classification: Pathogenic for Polycystic kidney disease, adult type. Review status: criteria provided, single submitter. Criteria: ACMG Guidelines, 2015. Collection method: clinical testing. Allele origin: germline. Affected: yes.
Comment: Absent from controls (or at extremely low frequency if recessive) in Genome Aggregation Database, Exome Sequencing Project, 1000 Genomes Project, or Exome Aggregation Consortium.;Null variant in a gene where loss of function (LOF) is a known mechanism of disease.;Patient's phenotype or family history is highly specific for a disease with a single genetic etiology.